The following is an entry in ClinVar:

NM_021926.4(ALX4):c.*899C>T

Gene: ALX4 (ALX homeobox 4; minus strand). Cytogenetic location: 11p11.2.
Variant type: single nucleotide variant.
Coding change: c.*899C>T on transcript NM_021926.4 (MANE Select); 899 bases downstream of the stop codon, C replaced by T.
Molecular consequence: 3 prime UTR variant.
Genome position (GRCh38, 1-based): chr11:44,263,955, G>A on the plus strand (C>T on the coding strand, the complement: ALX4 is on the minus strand). VCF-style: chr11-44263955-G-A. GRCh37 (hg19) VCF-style: chr11-44285505-G-A.
Other names: c.*899C>T (LRG_1256t1).
Identifiers: ClinVar variation 304680 (VCV000304680.5), dbSNP rs543627488, ClinGen allele CA10639120.
Genomic context (GRCh38, chr11:44,263,955, plus strand): 5'-TCCTCCTGGAGGGAACCTGACTGGGCTCTGGATGGAGAACAAAGCTGCCCAGACCTCCCC[G>A]CTGTACCAGATGCCAGGCAGGCCGGAGAGCGGGAGGACTGCCCGGGCCCACGCCCCACCC-3'

ClinVar aggregate classification (germline): Likely benign (1 of 4 stars; one submission).

Conditions:
Parietal foramina 2 (PFM2). Identifiers: Orphanet 60015, MedGen C1865044, MONDO:0012309, OMIM 609597.

Allele frequency attached by ClinVar (database versions not stated): TOPMed 0.00090; 1000 Genomes Project 30x 0.00094; gnomAD 0.00113 and 0.00138; 1000 Genomes Project 0.00120.

Submission:

Illumina Laboratory Services, Illumina
Classification: Likely benign for Parietal foramina 2. Last evaluated: 2018-01-13. Review status: criteria provided, single submitter. Criteria: ICSL Variant Classification Criteria 13 December 2019. Collection method: clinical testing. Allele origin: germline.
Comment: This variant was observed in the ICSL laboratory as part of a predisposition screen in an ostensibly healthy population. It had not been previously curated by ICSL or reported in the Human Gene Mutation Database (HGMD: prior to June 1st, 2018), and was therefore a candidate for classification through an automated scoring system. Utilizing variant allele frequency, disease prevalence and penetrance estimates, and inheritance mode, an automated score was calculated to assess if this variant is too frequent to cause the disease. Based on the score and internal cut-off values, a variant classified as likely benign is not then subjected to further curation. The score for this variant resulted in a classification of likely benign for this disease.